The following is an entry in ClinVar:

ClinVar aggregate classification (germline): Uncertain significance. Review status: criteria provided, multiple submitters, no conflicts (2 of 4 stars). 3 submissions from 3 submitters: Uncertain significance (3). Last evaluated 2023-04-24.

Conditions:
Developmental and epileptic encephalopathy, 18 (DEE18). Also called: Early infantile epileptic encephalopathy 18. Identifiers: Orphanet 369894, MedGen C3809624, MONDO:0014201, OMIM 615476.

Allele frequency attached by ClinVar (database versions not stated): gnomAD exomes below 0.00001; TOPMed below 0.00001; ExAC 0.00001.
gnomAD v4.1: 3 of 1,609,562 alleles (0.00019%); highest among the groups gnomAD compares: Non-Finnish European, 0.00025%; no homozygotes.

Submissions (3):

GeneDx
Classification: Uncertain significance. Last evaluated: 2023-04-24. Review status: criteria provided, single submitter. Criteria: GeneDx Variant Classification Process June 2021. Collection method: clinical testing. Allele origin: germline. Affected: yes.
Comment: Not observed at significant frequency in large population cohorts (gnomAD); In silico analysis supports that this missense variant has a deleterious effect on protein structure/function; Has not been previously published as pathogenic or benign to our knowledge

Genome-Nilou Lab
Classification: Uncertain significance for Developmental and epileptic encephalopathy, 18. Last evaluated: 2023-04-11. Review status: criteria provided, single submitter. Criteria: ACMG Guidelines, 2015. Collection method: clinical testing. Allele origin: germline. Affected: no.

Labcorp Genetics (formerly Invitae), Labcorp
Classification: Uncertain significance. Last evaluated: 2022-07-23. Review status: criteria provided, single submitter. Criteria: Invitae Variant Classification Sherloc (09022015). Collection method: clinical testing. Allele origin: germline.
Comment: In summary, the available evidence is currently insufficient to determine the role of this variant in disease. Therefore, it has been classified as a Variant of Uncertain Significance. Algorithms developed to predict the effect of missense changes on protein structure and function are either unavailable or do not agree on the potential impact of this missense change (SIFT: "Tolerated"; PolyPhen-2: "Possibly Damaging"; Align-GVGD: "Class C15"). This variant has not been reported in the literature in individuals affected with SZT2-related conditions. This variant is present in population databases (rs779120024, gnomAD 0.006%). This sequence change replaces histidine, which is basic and polar, with tyrosine, which is neutral and polar, at codon 3255 of the SZT2 protein (p.His3255Tyr).

NM_001365999.1(SZT2):c.9934C>T (p.His3312Tyr)

Genes: SZT2 (SZT2 subunit of KICSTOR complex; plus strand), SZT2-AS1 (SZT2 antisense RNA 1; minus strand). Cytogenetic location: 1p34.2.
Variant type: single nucleotide variant.
Coding change: c.9934C>T on transcript NM_001365999.1 (MANE Select); coding-DNA position 9934, C replaced by T.
Protein change: p.His3312Tyr; replaces histidine 3312 with tyrosine.
Molecular consequence: missense variant. On other transcripts: non-coding transcript variant (1).
Genome position (GRCh38, 1-based): chr1:43,448,449, C>T. VCF-style: chr1-43448449-C-T. GRCh37 (hg19) VCF-style: chr1-43914120-C-T.
Other names: c.9763C>T, p.His3255Tyr (NM_015284.4); c.1375C>T, p.His459Tyr (NM_024547.1); c.9763C>T (NM_015284.3); short protein forms H3255Y, H3312Y, H459Y.
Identifiers: ClinVar variation 1713485 (VCV001713485.7), dbSNP rs779120024, ClinGen allele CA811035.